The following continues an entry in ClinVar:

NM_000257.4(MYH7):c.4135G>A (p.Ala1379Thr)

Gene: MYH7. ClinVar aggregate classification (germline): Pathogenic/Likely pathogenic. Pathogenic (13); Likely pathogenic (2).

Submissions 11 to 15 of 15:

Laboratory for Molecular Medicine, Mass General Brigham Personalized Medicine
Classification: Pathogenic for Hypertrophic cardiomyopathy. Last evaluated: 2022-02-07. Review status: criteria provided, single submitter. Criteria: ACMG Guidelines, 2015. Collection method: clinical testing. Allele origin: germline. Inheritance: Autosomal dominant inheritance.
Comment: The p.Ala1379Thr variant in MYH7 has been reported in >10 families with HCM and segregated with disease in >15 affected relatives (Blair 2002, Richard 2003, Zou 2013, Burns 2016, Walsh 2017, LMM data). It has also been identified in 1/35440 Latino chromosomes in gnomAD and has been reported in ClinVar (Variation ID 42993). Computational prediction tools and conservation analyses suggest that this variant may impact the protein, though this information is not predictive enough to determine pathogenicity. In summary, this variant meets criteria to be classified as pathogenic for HCM in an autosomal dominant manner. ACMG/AMP criteria applied: PS4, PP1_Strong, PM2_Supporting, PP3.

CHEO Genetics Diagnostic Laboratory, Children's Hospital of Eastern Ontario
Classification: Pathogenic for Cardiomyopathy. Last evaluated: 2021-08-20. Review status: criteria provided, single submitter. Criteria: ACMG Guidelines, 2015. Collection method: clinical testing. Allele origin: germline.

Women's Health and Genetics/Laboratory Corporation of America, LabCorp
Classification: Pathogenic for Primary familial hypertrophic cardiomyopathy. Last evaluated: 2020-01-27. Review status: criteria provided, single submitter. Criteria: LabCorp Variant Classification Summary - May 2015. Collection method: clinical testing. Allele origin: germline.
Comment: Variant summary: MYH7 c.4135G>A (p.Ala1379Thr) results in a non-conservative amino acid change located in the Myosin tail domain (IPR002928) of the encoded protein sequence. Five of five in-silico tools predict a damaging effect of the variant on protein function. The variant was absent in 251464 control chromosomes (gnomAD). c.4135G>A has been reported in the literature in multiple individuals affected with Hypertrophic Cardiomyopathy (Richard_2003, Blair_2002, Ross_2017). Blair_2002 reported that this variant segregated with disease in three unrelated families and was not present in 200 control chromosomes. These data indicate that the variant is very likely to be associated with disease. At least one publication, Flashman_2007, reports this variant has no effect on interaction with C10 of cMyBP-C. Four ClinVar submitters (evaluation after 2014) cite the variant as pathogenic (3x) and likely pathogenic (1x). Based on the evidence outlined above, the variant was classified as pathogenic.

Agnes Ginges Centre for Molecular Cardiology, Centenary Institute
Classification: Pathogenic for Hypertrophic cardiomyopathy 1. Last evaluated: 2018-08-23. Review status: criteria provided, single submitter. Criteria: ACMG Guidelines, 2015. Collection method: research. Allele origin: germline. Inheritance: Autosomal dominant inheritance. Affected: yes.
Comment: MYH7 Ala1379Thr has previously been identified in multple HCM cases (Walsh R et al., 2017; Zou Y et al., 2013; Richard P et al., 2003; Blair E et al., 2002). Familial analysis by Blair E. et al. (2002) demonstrated strong segregation of this variant with disease phenotype. We have detected this variant in 4 unrelated HCM families, 3 of which were reported previously (Ingles J et al., 2017; Burns et al., 2017) and segregated to an additional 3 affected family members in one family. Furthermore, this variant is absent in both the Exome Aggregation Consortium dataset and 1000 genomes project. In silico tools SIFT, MutationTaster and PolyPhen-2 predict that the variant is deleterious. More specifically, a tool designed to predict the effects of missense variants in HCM genes (Jordan DM, et al., 2011), predicts this MYH7 Ala1379Thr variant to be "Pathogenic". Based on the adapted ACMG guidelines (Kelly MA, et al., 2018), this variant has been identified in more than 10 unrelated probands (PS4_Strong), has strong segregation data (PP1_Strong), is rare in the general population (PM2) and in silico tools predict that it is deleterious (PP3), therefore we classify MYH7 Ala1379Thr as 'pathogenic'.

Center for Medical Genetics Ghent, University of Ghent
Classification: Likely pathogenic for Hypertrophic cardiomyopathy 1. Last evaluated: 2016-02-18. Review status: criteria provided, single submitter. Criteria: ACMG Guidelines, 2015. Collection method: clinical testing. Allele origin: germline. Affected: yes.

Literature cited by the submitters: PubMed 11861413 (cited by 9 submitters); PubMed 12707239 (cited by 9 submitters); PubMed 23283745 (cited by 6 submitters); PubMed 27247418 (cited by Labcorp Genetics (formerly Invitae), Labcorp and Laboratory for Molecular Medicine, Mass General Brigham Personalized Medicine); PubMed 27532257 (cited by 6 submitters); PubMed 28790153 (cited by 5 submitters); PubMed 25132132 (cited by Color Diagnostics, LLC DBA Color Health); PubMed 25611685 (cited by Color Diagnostics, LLC DBA Color Health); PubMed 28408708 (cited by Color Diagnostics, LLC DBA Color Health); PubMed 28615295 (cited by Color Diagnostics, LLC DBA Color Health and Women's Health and Genetics/Laboratory Corporation of America, LabCorp); PubMed 32894683 (cited by Color Diagnostics, LLC DBA Color Health); PubMed 33495597 (cited by Color Diagnostics, LLC DBA Color Health); PubMed 33673806 (cited by Color Diagnostics, LLC DBA Color Health); PubMed 35470680 (cited by Color Diagnostics, LLC DBA Color Health); PubMed 35935646 (cited by Color Diagnostics, LLC DBA Color Health); PubMed 36252119 (cited by Color Diagnostics, LLC DBA Color Health); PubMed 37498360 (cited by Color Diagnostics, LLC DBA Color Health); PubMed 38489124 (cited by Color Diagnostics, LLC DBA Color Health); PubMed 16918501 (cited by 4 submitters); PubMed 12951062 (cited by Women's Health and Genetics/Laboratory Corporation of America, LabCorp); PubMed 15136674 (cited by Women's Health and Genetics/Laboratory Corporation of America, LabCorp); PubMed 11861410 (cited by Women's Health and Genetics/Laboratory Corporation of America, LabCorp).